The following is an entry in ClinVar:

ClinVar aggregate classification (germline): Benign/Likely benign. Review status: criteria provided, multiple submitters, no conflicts (2 of 4 stars). 7 submissions from 6 submitters: Benign (2); Likely benign (4). 1 of the submissions does not count toward it. Last evaluated 2024-11-22.

Conditions:
Rhizomelic chondrodysplasia punctata (RCDP). Identifiers: Orphanet 177, MedGen C0282529, MONDO:0015776. Disease mechanism: loss of function.
Peroxisome biogenesis disorder 9B. Also called: Refsum disease, adult, 2; PEX7-Related Refsum Disease; PEROXISOME BIOGENESIS DISORDER, PEX7-RELATED, ATYPICAL. Identifiers: Orphanet 773, MedGen C2749346, MONDO:0013945, OMIM 614879.
Rhizomelic chondrodysplasia punctata type 1 (RCDP1). Also called: PEX7-Related Rhizomelic Chondrodysplasia Punctata; PEROXISOME BIOGENESIS DISORDER 9; CHONDRODYSTROPHIA CALCIFICANS PUNCTATA. Identifiers: Orphanet 177, Orphanet 309789, MedGen C1859133, MONDO:0008972, OMIM 215100. Disease mechanism: loss of function.

Allele frequency attached by ClinVar (database versions not stated): ExAC 0.00187; gnomAD exomes 0.00474; ESP Exome Variant Server 0.02039; 1000 Genomes Project 0.02316; gnomAD 0.02411; 1000 Genomes Project 30x 0.02420; TOPMed 0.02752.
gnomAD v4.1: 7,120 of 1,519,852 alleles (0.47%); highest among the groups gnomAD compares: African/African-American, 8.9%; 283 homozygotes.

Submissions (7):

Blueprint Genetics
Classification: Likely benign. Last evaluated: 2024-11-22. Review status: criteria provided, single submitter. Criteria: ACMG Guidelines, 2015. Collection method: clinical testing. Allele origin: germline.

Illumina Laboratory Services, Illumina
Classification: Likely benign for Rhizomelic chondrodysplasia punctata type 1. Last evaluated: 2017-04-27. Review status: criteria provided, single submitter. Criteria: ICSL Variant Classification Criteria 13 December 2019. Collection method: clinical testing. Allele origin: germline.
Comment: This variant was observed as part of a predisposition screen in an ostensibly healthy population. A literature search was performed for the gene, cDNA change, and amino acid change (where applicable). No publications were found based on this search. Allele frequency data from public databases allowed determination this variant is unlikely to cause disease. Therefore, this variant is classified as likely benign.

Illumina Laboratory Services, Illumina
Classification: Likely benign for Peroxisome biogenesis disorder 9B. Last evaluated: 2017-04-27. Review status: criteria provided, single submitter. Criteria: ICSL Variant Classification Criteria 13 December 2019. Collection method: clinical testing. Allele origin: germline.
Comment: the same text as in the submission from Illumina Laboratory Services, Illumina above.

GeneDx
Classification: Benign. Last evaluated: 2016-10-31. Review status: criteria provided, single submitter. Criteria: GeneDx Variant Classification (06012015). Collection method: clinical testing. Allele origin: germline. Affected: yes.
Comment: This variant is considered likely benign or benign based on one or more of the following criteria: it is a conservative change, it occurs at a poorly conserved position in the protein, it is predicted to be benign by multiple in silico algorithms, and/or has population frequency not consistent with disease.

Breakthrough Genomics
Classification: Likely benign. Review status: criteria provided, single submitter. Criteria: ACMG Guidelines, 2015. Collection method: not provided. Allele origin: germline. Inheritance: Autosomal recessive inheritance. Affected: yes.

PreventionGenetics, part of Exact Sciences
Classification: Benign. Review status: criteria provided, single submitter. Criteria: ACMG Guidelines, 2015. Collection method: clinical testing. Allele origin: germline.

Natera, Inc.
Classification: Benign for Rhizomelic chondrodysplasia punctata. Last evaluated: 2020-09-16. Review status: no assertion criteria provided. Collection method: clinical testing. Allele origin: germline. Not counted in ClinVar's aggregate classification.

NM_000288.4(PEX7):c.-31G>A

Gene: PEX7 (peroxisomal biogenesis factor 7; plus strand). Cytogenetic location: 6q23.3.
Variant type: single nucleotide variant.
Coding change: c.-31G>A on transcript NM_000288.4 (MANE Select); 31 bases upstream of the start codon, G replaced by A.
Molecular consequence: 5 prime UTR variant.
Genome position (GRCh38, 1-based): chr6:136,822,635, G>A. VCF-style: chr6-136822635-G-A. GRCh37 (hg19) VCF-style: chr6-137143773-G-A.
Identifiers: ClinVar variation 255745 (VCV000255745.9), dbSNP rs115866467, ClinGen allele CA4017476.